The following is an entry in ClinVar:

NM_001029883.3(PCARE):c.3478G>A (p.Ala1160Thr)

Gene: PCARE (photoreceptor cilium actin regulator; minus strand). Cytogenetic location: 2p23.2.
Variant type: single nucleotide variant.
Coding change: c.3478G>A on transcript NM_001029883.3 (MANE Select); coding-DNA position 3478, G replaced by A.
Protein change: p.Ala1160Thr; replaces alanine 1160 with threonine.
Molecular consequence: missense variant.
Genome position (GRCh38, 1-based): chr2:29,070,784, C>T on the plus strand (G>A on the coding strand, the complement: PCARE is on the minus strand). VCF-style: chr2-29070784-C-T. GRCh37 (hg19) VCF-style: chr2-29293650-C-T.
Other names: short protein forms A1160T.
Identifiers: ClinVar variation 2106192 (VCV002106192.4), dbSNP rs766723736, ClinGen allele CA1591921.
Genomic context (GRCh38, chr2:29,070,784, plus strand): 5'-CTGCTCTCCGCTGCGAGTCTGCTCTCAGCCAAGGCCCTGAGCTGTTCTTCCAGCATTCTG[C>T]TGGGTTCCCGAGAGGGCCCCCAGCCTCTGGCGGCAGCGATGGTGGGGTCAGTGGGTGGGC-3'
Protein context (NP_001025054.1, residues 1150-1170): PEAGGPLGNP[Ala1160Thr]ECWKNSSGPW

ClinVar aggregate classification (germline): Uncertain significance (1 of 4 stars; one submission).

Allele frequency attached by ClinVar (database versions not stated): ExAC 0.00001; TOPMed 0.00001; gnomAD exomes 0.00002.
gnomAD v4.1: 9 of 1,614,136 alleles (0.00056%); highest among the groups gnomAD compares: Non-Finnish European, 0.00076%; no homozygotes.

Submission:

Labcorp Genetics (formerly Invitae), Labcorp
Classification: Uncertain significance. Last evaluated: 2022-08-21. Review status: criteria provided, single submitter. Criteria: Invitae Variant Classification Sherloc (09022015). Collection method: clinical testing. Allele origin: germline.
Comment: In summary, the available evidence is currently insufficient to determine the role of this variant in disease. Therefore, it has been classified as a Variant of Uncertain Significance. Algorithms developed to predict the effect of missense changes on protein structure and function output the following: SIFT: "Tolerated"; PolyPhen-2: "Benign"; Align-GVGD: "Class C0". The threonine amino acid residue is found in multiple mammalian species, which suggests that this missense change does not adversely affect protein function. This missense change has been observed in individual(s) with clinical features of retinitis pigmentosa (PMID: 21412943). This variant is present in population databases (rs766723736, gnomAD 0.003%). This sequence change replaces alanine, which is neutral and non-polar, with threonine, which is neutral and polar, at codon 1160 of the PCARE protein (p.Ala1160Thr).

Literature cited by the submitters: PubMed 21412943.